The following is an entry in ClinVar:

ClinVar aggregate classification (germline): Pathogenic/Likely pathogenic. Review status: criteria provided, multiple submitters, no conflicts (2 of 4 stars). 4 submissions from 4 submitters: Pathogenic (3); Likely pathogenic (1). Last evaluated 2025-11-17.

Conditions:
Familial adenomatous polyposis 4 (FAP4). Also called: MSH3-related attenuated familial adenomatous polyposis. Identifiers: Orphanet 480536, MedGen C4310719, MONDO:0044300, OMIM 617100.
Endometrial carcinoma. Also called: Endometrial carcinoma, somatic. Identifiers: MedGen C0476089, MONDO:0002447, OMIM 608089, HP:0012114.
Hereditary cancer-predisposing syndrome. Also called: Tumor predisposition; Hereditary neoplastic syndrome; Neoplastic Syndromes, Hereditary; Hereditary Cancer Syndrome. Identifiers: Orphanet 140162, MedGen C0027672, MeSH D009386, MONDO:0015356.

gnomAD v4.1: 22 of 1,614,198 alleles (0.0014%); highest among the groups gnomAD compares: Non-Finnish European, 0.0018%; no homozygotes.

Submissions (4):

Labcorp Genetics (formerly Invitae), Labcorp
Classification: Pathogenic. Last evaluated: 2025-11-17. Review status: criteria provided, single submitter. Criteria: Invitae Variant Classification Sherloc (09022015). Collection method: clinical testing. Allele origin: germline.
Comment: This sequence change creates a premature translational stop signal (p.Arg85*) in the MSH3 gene. It is expected to result in an absent or disrupted protein product. Loss-of-function variants in MSH3 are known to be pathogenic (PMID: 27476653, 37402566). This variant is not present in population databases (gnomAD no frequency). This variant has not been reported in the literature in individuals affected with MSH3-related conditions. ClinVar contains an entry for this variant (Variation ID: 950990). For these reasons, this variant has been classified as Pathogenic.

Ambry Genetics
Classification: Pathogenic for Hereditary cancer-predisposing syndrome. Last evaluated: 2025-09-24. Review status: criteria provided, single submitter. Criteria: Ambry Variant Classification Scheme 2023. Collection method: clinical testing. Allele origin: germline.
Comment: The p.R85* pathogenic mutation (also known as c.253A>T), located in coding exon 2 of the MSH3 gene, results from an A to T substitution at nucleotide position 253. This changes the amino acid from an arginine to a stop codon within coding exon 2. This variant is considered to be rare based on population cohorts in the Genome Aggregation Database (gnomAD). This alteration is expected to result in loss of function by premature protein truncation or nonsense-mediated mRNA decay. As such, this alteration is interpreted as a disease-causing mutation.

Myriad Genetics, Inc.
Classification: Pathogenic for Familial adenomatous polyposis 4. Last evaluated: 2023-08-29. Review status: criteria provided, single submitter. Criteria: Myriad Autosomal Dominant, Autosomal Recessive and X-Linked Classification Criteria (2023). Collection method: clinical testing. Allele origin: unknown.
Comment: This variant is considered pathogenic. This variant creates a termination codon and is predicted to result in premature protein truncation.

Baylor Genetics
Classification: Likely pathogenic for Endometrial carcinoma. Last evaluated: 2023-06-22. Review status: criteria provided, single submitter. Criteria: ACMG Guidelines, 2015. Collection method: clinical testing. Allele origin: unknown.

Literature cited by the submitters: PubMed 27476653 (cited by Labcorp Genetics (formerly Invitae), Labcorp); PubMed 37402566 (cited by Labcorp Genetics (formerly Invitae), Labcorp).

NM_002439.5(MSH3):c.253A>T (p.Arg85Ter)

Gene: MSH3 (mutS homolog 3; plus strand). Cytogenetic location: 5q14.1.
Variant type: single nucleotide variant.
Coding change: c.253A>T on transcript NM_002439.5 (MANE Select); coding-DNA position 253, A replaced by T.
Protein change: p.Arg85Ter; replaces arginine 85 with a stop codon.
Molecular consequence: nonsense.
Genome position (GRCh38, 1-based): chr5:80,656,426, A>T. VCF-style: chr5-80656426-A-T. GRCh37 (hg19) VCF-style: chr5-79952245-A-T.
Other names: short protein forms R85*.
Identifiers: ClinVar variation 950990 (VCV000950990.13), dbSNP rs1749286503, ClinGen allele CA360266142.